The following is an entry in ClinVar:

NM_001148.6(ANK2):c.5021G>C (p.Ser1674Thr)

Gene: ANK2 (ankyrin 2; plus strand). Cytogenetic location: 4q26.
Variant type: single nucleotide variant.
Coding change: c.5021G>C on transcript NM_001148.6 (MANE Select); coding-DNA position 5021, G replaced by C.
Protein change: p.Ser1674Thr; replaces serine 1674 with threonine.
Molecular consequence: missense variant. On other transcripts: intron variant (68).
Genome position (GRCh38, 1-based): chr4:113,353,639, G>C. VCF-style: chr4-113353639-G-C. GRCh37 (hg19) VCF-style: chr4-114274795-G-C.
Other names: c.4787G>C, p.Ser1596Thr (NM_001386142.1); c.1421G>C, p.Ser474Thr (NM_001386166.1); c.5162G>C, p.Ser1721Thr (NM_001386174.1); c.5138G>C, p.Ser1713Thr (NM_001386175.1); c.4411+3390G>C (NM_001386186.2, NM_001386148.2); c.4213+3390G>C (NM_001354269.3); c.4291+3390G>C (NM_001386187.2); c.4252+3390G>C (NM_001386147.1); and 35 more; short protein forms S1596T, S1674T, S1713T, S474T, S1721T.
Identifiers: ClinVar variation 4613572 (VCV004613572.1).

ClinVar aggregate classification (germline): Uncertain significance (1 of 4 stars; one submission).

Conditions:
Cardiovascular phenotype. Identifiers: MedGen CN230736.

Submission:

Ambry Genetics
Classification: Uncertain significance for Cardiovascular phenotype. Last evaluated: 2025-11-25. Review status: criteria provided, single submitter. Criteria: Ambry Variant Classification Scheme 2023. Collection method: clinical testing. Allele origin: germline.
Comment: The p.S1674T variant (also known as c.5021G>C), located in coding exon 38 of the ANK2 gene, results from a G to C substitution at nucleotide position 5021. The serine at codon 1674 is replaced by threonine, an amino acid with similar properties. This amino acid position is conserved. In addition, this alteration is predicted to be tolerated by in silico analysis. Based on the available evidence, the clinical significance of this variant remains unclear.